The following is an entry in ClinVar:

NM_000126.4(ETFA):c.635T>C (p.Leu212Pro)

Gene: ETFA (electron transfer flavoprotein subunit alpha; minus strand). Cytogenetic location: 15q24.2.
Variant type: single nucleotide variant.
Coding change: c.635T>C on transcript NM_000126.4 (MANE Select); coding-DNA position 635, T replaced by C.
Protein change: p.Leu212Pro; replaces leucine 212 with proline.
Molecular consequence: missense variant.
Genome position (GRCh38, 1-based): chr15:76,285,666, A>G on the plus strand (T>C on the coding strand, the complement: ETFA is on the minus strand). VCF-style: chr15-76285666-A-G. GRCh37 (hg19) VCF-style: chr15-76578007-A-G.
Other names: c.488T>C, p.Leu163Pro (NM_001127716.2); short protein forms L163P, L212P.
Identifiers: ClinVar variation 4688232 (VCV004688232.1).

ClinVar aggregate classification (germline): Likely pathogenic (1 of 4 stars; one submission).

Conditions:
Multiple acyl-CoA dehydrogenase deficiency (MADD). Also called: Glutaric aciduria, type 2; Glutaric acidemia type II; GA 2; Glutaric Acidemia type 2; ETHYLMALONIC-ADIPICACIDURIA; GA II. Identifiers: Orphanet 26791, MedGen C0268596, MONDO:0009282, OMIM 231680.

Submission:

Women's Health and Genetics/Laboratory Corporation of America, LabCorp
Classification: Likely pathogenic for Multiple acyl-CoA dehydrogenase deficiency. Last evaluated: 2025-12-30. Review status: criteria provided, single submitter. Criteria: LabCorp Variant Classification Summary - May 2015. Collection method: clinical testing. Allele origin: germline.
Comment: Variant summary: ETFA c.635T>C (p.Leu212Pro) results in a non-conservative amino acid change in the encoded protein sequence. Algorithms developed to predict the effect of missense changes on protein structure and function all suggest that this variant is likely to be disruptive. The variant was absent in 251448 control chromosomes. c.635T>C has been observed as a presumably biallelic compound heterozygous genotype in at-least one individual(s) affected with features of multiple acyl-CoA dehydrogenase deficiency, Glutaric Aciduria, Type 2a (example Schiff_2006, Grnert_2014). At least one publication reports experimental evidence evaluating an impact on protein function. The most pronounced variant effect results in <10% of normal ETF activity in cultured skin fibroblasts of an affected indivifual (Schiff_2006). The following publications have been ascertained in the context of this evaluation (PMID: 25200064, 20674745, 16510302). No submitters have cited clinical-significance assessments for this variant to ClinVar. Based on the evidence outlined above, the variant was classified as likely pathogenic.

Literature cited by the submitters: PubMed 25200064; PubMed 20674745; PubMed 16510302.